The following is an entry in ClinVar:

NM_001199397.3(NEK1):c.2888C>T (p.Ser963Leu)

Gene: NEK1 (NIMA related kinase 1; minus strand). Cytogenetic location: 4q33.
Variant type: single nucleotide variant.
Coding change: c.2888C>T on transcript NM_001199397.3 (MANE Select); coding-DNA position 2888, C replaced by T.
Protein change: p.Ser963Leu; replaces serine 963 with leucine.
Molecular consequence: missense variant. On other transcripts: non-coding transcript variant (1).
Genome position (GRCh38, 1-based): chr4:169,426,232, G>A on the plus strand (C>T on the coding strand, the complement: NEK1 is on the minus strand). VCF-style: chr4-169426232-G-A. GRCh37 (hg19) VCF-style: chr4-170347383-G-A.
Other names: c.2756C>T, p.Ser919Leu (NM_001199398.3); c.2597C>T, p.Ser866Leu (NM_001199399.3); c.2672C>T, p.Ser891Leu (NM_001199400.3); c.2888C>T, p.Ser963Leu (NM_001374418.1); c.2804C>T, p.Ser935Leu (NM_001374419.1, NM_012224.4); c.2753C>T, p.Ser918Leu (NM_001374420.1); c.2405C>T, p.Ser802Leu (NM_001374421.1); short protein forms S963L, S802L, S866L, S918L, S919L, S891L, S935L.
Identifiers: ClinVar variation 2526925 (VCV002526925.5), dbSNP rs755190149, ClinGen allele CA3137285.
Genomic context (GRCh38, chr4:169,426,232, plus strand): 5'-ACAGTACTCGAGACTCCATCTTCAGAAACTTCATTTTCCTGAATGGTGATCCTATCTGCC[G>A]ACCTGCCACAGATGGGTACACCAATTAAAAACACACACACTTAGTTTACCAGAAATAAAA-3'
Protein context (NP_001186326.1, residues 953-973): SEEKETKETQ[Ser963Leu]ADRITIQENE

ClinVar aggregate classification (germline): Conflicting classifications of pathogenicity. Review status: criteria provided, conflicting classifications (1 of 4 stars). 3 submissions from 3 submitters: Uncertain significance (2); Likely benign (1). Last evaluated 2025-05-09.

Conditions:
Inborn genetic diseases. Identifiers: MedGen C0950123, MeSH D030342.
NEK1-related disorder. Also called: NEK1-related condition.
Short-rib thoracic dysplasia 6 with or without polydactyly (SRTD6). Also called: POLYDACTYLY WITH NEONATAL CHONDRODYSTROPHY, TYPE II; SHORT-RIB THORACIC DYSPLASIA 6 WITH POLYDACTYLY; SHORT-RIB THORACIC DYSPLASIA 6 WITHOUT POLYDACTYLY; SHORT RIB-POLYDACTYLY SYNDROME, TYPE IIA; Majewski Syndrome. Identifiers: MedGen C0024507, MONDO:0009894, OMIM 263520.

Allele frequency attached by ClinVar (database versions not stated): ExAC 0.00004.
gnomAD v4.1: 28 of 1,612,246 alleles (0.0017%); highest among the groups gnomAD compares: South Asian, 0.0099%; no homozygotes.

Submissions (3):

Labcorp Genetics (formerly Invitae), Labcorp
Classification: Uncertain significance for Short-rib thoracic dysplasia 6 with or without polydactyly. Last evaluated: 2025-05-09. Review status: criteria provided, single submitter. Criteria: Invitae Variant Classification Sherloc (09022015). Collection method: clinical testing. Allele origin: germline.
Comment: This sequence change replaces serine, which is neutral and polar, with leucine, which is neutral and non-polar, at codon 935 of the NEK1 protein (p.Ser935Leu). This variant is present in population databases (rs755190149, gnomAD 0.02%). This variant has not been reported in the literature in individuals affected with NEK1-related conditions. ClinVar contains an entry for this variant (Variation ID: 2526925). An algorithm developed to predict the effect of missense changes on protein structure and function outputs the following: PolyPhen-2: "Benign". The leucine amino acid residue is found in multiple mammalian species, which suggests that this missense change does not adversely affect protein function. In summary, the available evidence is currently insufficient to determine the role of this variant in disease. Therefore, it has been classified as a Variant of Uncertain Significance.

PreventionGenetics, part of Exact Sciences
Classification: Uncertain significance for NEK1-related condition. Last evaluated: 2023-05-11. Review status: criteria provided, single submitter. Criteria: ACMG Guidelines, 2015. Collection method: clinical testing. Allele origin: germline.
Comment: The NEK1 c.2804C>T variant is predicted to result in the amino acid substitution p.Ser935Leu. To our knowledge, this variant has not been reported in the literature. This variant is reported in 0.017% of alleles in individuals of South Asian descent in gnomAD. At this time, the clinical significance of this variant is uncertain due to the absence of conclusive functional and genetic evidence.

Ambry Genetics
Classification: Likely benign for Inborn genetic diseases. Last evaluated: 2023-03-20. Review status: criteria provided, single submitter. Criteria: Ambry Variant Classification Scheme 2023. Collection method: clinical testing. Allele origin: germline.